The following is an entry in ClinVar:

NM_000535.7(PMS2):c.804-2A>G

Gene: PMS2 (PMS1 homolog 2, mismatch repair system component; minus strand). Cytogenetic location: 7p22.1.
Variant type: single nucleotide variant.
Coding change: c.804-2A>G on transcript NM_000535.7 (MANE Select); the canonical splice acceptor site of the intron before coding-DNA position 804, A replaced by G.
Molecular consequence: splice acceptor variant. On other transcripts: intron variant (4).
Genome position (GRCh38, 1-based): chr7:5,995,635, T>C on the plus strand (A>G on the coding strand, the complement: PMS2 is on the minus strand). VCF-style: chr7-5995635-T-C. GRCh37 (hg19) VCF-style: chr7-6035266-T-C.
Other names: c.399-2A>G (NM_001406892.1, NM_001406888.1, NM_001406890.1 and 19 more transcripts); c.495-2A>G (NM_001406880.1, NM_001406882.1, NM_001406875.1 and 6 more transcripts); c.538-3578A>G (NM_001406886.1); c.636-2A>G (NM_001406884.1, NM_001406874.1); c.-130-2A>G (NM_001322011.2, NM_001322012.2); c.696-2A>G (NM_001406869.1); c.705+3473A>G (NM_001406873.1); c.803+1691A>G (NM_001406912.1); and 8 more.
Identifiers: ClinVar variation 850689 (VCV000850689.17), dbSNP rs1307026290, ClinGen allele CA366743591.
Genomic context (GRCh38, chr7:5,995,635, plus strand): 5'-GTCTGTCTGTTGAACTCCTTCCAACTCCATGCGTGCATTGTGAAATGAAACCTGAGATGC[T>C]ATTCAACATTAATATGGTAAGGGCAGGATTCCAGAGTGAAAGGGATTAGAAATACGATCA-3'

ClinVar aggregate classification (germline): Pathogenic/Likely pathogenic. Review status: criteria provided, multiple submitters, no conflicts (2 of 4 stars). 5 submissions from 5 submitters: Pathogenic (3); Likely pathogenic (2). Last evaluated 2025-11-19.

Conditions:
Lynch syndrome 4 (LYNCH4). Also called: Hereditary non-polyposis colorectal cancer, type 4; Colorectal cancer, hereditary nonpolyposis, type 4. Identifiers: Orphanet 144, MedGen C1838333, MONDO:0013699, OMIM 614337. Disease mechanism: loss of function.
Hereditary nonpolyposis colon cancer (HNPCC). Also called: Hereditary nonpolyposis colorectal cancer; Familial nonpolyposis colon cancer; Hereditary Nonpolyposis Colorectal Cancer Syndrome. Identifiers: Orphanet 443909, MedGen C1333990, MONDO:0018630. Disease mechanism: loss of function.
Hereditary nonpolyposis colorectal neoplasms. Identifiers: MedGen C0009405, MeSH D003123.
Hereditary cancer-predisposing syndrome. Also called: Tumor predisposition; Neoplastic Syndromes, Hereditary; Hereditary neoplastic syndrome; Hereditary Cancer Syndrome. Identifiers: Orphanet 140162, MedGen C0027672, MeSH D009386, MONDO:0015356.

Allele frequency attached by ClinVar (database versions not stated): gnomAD exomes below 0.00001 and 0.00001.
gnomAD v4.1: 3 of 1,588,994 alleles (0.00019%); highest among the groups gnomAD compares: Admixed American, 0.005%; no homozygotes.

Submissions (5):

Labcorp Genetics (formerly Invitae), Labcorp
Classification: Pathogenic for Hereditary nonpolyposis colorectal neoplasms. Last evaluated: 2025-11-19. Review status: criteria provided, single submitter. Criteria: Invitae Variant Classification Sherloc (09022015). Collection method: clinical testing. Allele origin: germline.
Comment: This sequence change affects an acceptor splice site in intron 7 of the PMS2 gene. RNA analysis indicates that disruption of this splice site induces altered splicing and may result in an absent or altered protein product. This variant is present in population databases (no rsID available, gnomAD 0.009%). Disruption of this splice site has been observed in individual(s) with clinical features of constitutional mismatch repair deficiency syndrome (PMID: 19156169). In at least one individual the data is consistent with being in trans (on the opposite chromosome) from a pathogenic variant. It has also been observed to segregate with disease in related individuals. ClinVar contains an entry for this variant (Variation ID: 850689). Studies have shown that disruption of this splice site results in activation of a cryptic splice site, and produces a non-functional protein and/or introduces a premature termination codon (internal data). For these reasons, this variant has been classified as Pathogenic.

Ambry Genetics
Classification: Pathogenic for Hereditary cancer-predisposing syndrome. Last evaluated: 2024-06-19. Review status: criteria provided, single submitter. Criteria: Ambry Variant Classification Scheme 2023. Collection method: clinical testing. Allele origin: germline.
Comment: The c.804-2A>G intronic pathogenic mutation results from an A to G substitution two nucleotides upstream from coding exon 8 in the PMS2 gene. In silico splice site analysis predicts that this alteration will weaken the native splice acceptor site and will result in the creation or strengthening of a novel splice acceptor site; however, direct evidence is insufficient at this time (Ambry internal data). In addition to the clinical data presented in the literature, alterations that disrupt the canonical splice site are expected to cause aberrant splicing, resulting in an abnormal protein or a transcript that is subject to nonsense-mediated mRNA decay. As such, this alteration is classified as a disease-causing mutation.

Women's Health and Genetics/Laboratory Corporation of America, LabCorp
Classification: Likely pathogenic for Hereditary nonpolyposis colon cancer. Last evaluated: 2024-02-22. Review status: criteria provided, single submitter. Criteria: LabCorp Variant Classification Summary - May 2015. Collection method: clinical testing. Allele origin: germline.
Comment: Variant summary: PMS2 c.804-2A>G is located in a canonical splice-site and is predicted to affect mRNA splicing resulting in a significantly altered protein due to either exon skipping, shortening, or inclusion of intronic material. Computational tools predict a significant impact on normal splicing: One predicts the variant abolishes a canonical 3' acceptor site. Two predict the variant creates a cryptic 3' acceptor site. However, these predictions have yet to be confirmed by functional studies. The variant allele was found at a frequency of 8e-06 in 251328 control chromosomes (gnomAD). c.804-2A>G has been reported in the literature in individuals affected with features of constitutional mismatch repair deficiency syndrome with another pathogenic variant in trans (Giunti_2009). These data indicate that the variant may be associated with disease. To our knowledge, no experimental evidence demonstrating an impact on protein function has been reported. The following publication has been ascertained in the context of this evaluation (PMID: 19156169). ClinVar contains an entry for this variant (Variation ID: 850689). Based on the evidence outlined above, the variant was classified as likely pathogenic.

Baylor Genetics
Classification: Pathogenic for Lynch syndrome 4. Last evaluated: 2023-10-16. Review status: criteria provided, single submitter. Criteria: ACMG Guidelines, 2015. Collection method: clinical testing. Allele origin: unknown.

Myriad Genetics, Inc.
Classification: Likely pathogenic for Lynch syndrome 4. Last evaluated: 2023-09-19. Review status: criteria provided, single submitter. Criteria: Myriad Autosomal Dominant, Autosomal Recessive and X-Linked Classification Criteria (2023). Collection method: clinical testing. Allele origin: unknown.
Comment: This variant is considered likely pathogenic. This variant occurs within a consensus splice junction and is predicted to result in abnormal mRNA splicing of either an out-of-frame exon or an in-frame exon necessary for protein stability and/or normal function.

Literature cited by the submitters: PubMed 19156169 (cited by 3 submitters).